The following is an entry in ClinVar:

NM_015021.3(ZNF292):c.5185C>G (p.Gln1729Glu)

Gene: ZNF292 (zinc finger protein 292; plus strand). Cytogenetic location: 6q14.3.
Variant type: single nucleotide variant.
Coding change: c.5185C>G on transcript NM_015021.3 (MANE Select); coding-DNA position 5185, C replaced by G.
Protein change: p.Gln1729Glu; replaces glutamine 1729 with glutamic acid.
Molecular consequence: missense variant.
Genome position (GRCh38, 1-based): chr6:87,258,814, C>G. VCF-style: chr6-87258814-C-G. GRCh37 (hg19) VCF-style: chr6-87968532-C-G.
Other names: c.4765C>G, p.Gln1589Glu (NM_001351444.2); short protein forms Q1589E, Q1729E.
Identifiers: ClinVar variation 3899074 (VCV003899074.1).

ClinVar aggregate classification (germline): Uncertain significance (1 of 4 stars; one submission).

gnomAD v4.1: 3 of 1,612,824 alleles (0.00019%); highest among the groups gnomAD compares: Non-Finnish European, 0.00025%; no homozygotes.

Submission:

GeneDx
Classification: Uncertain significance. Last evaluated: 2024-11-07. Review status: criteria provided, single submitter. Criteria: GeneDx Variant Classification Process June 2021. Collection method: clinical testing. Allele origin: germline. Affected: yes.
Comment: Not observed at significant frequency in large population cohorts (gnomAD); In silico analysis indicates that this missense variant does not alter protein structure/function; Has not been previously published as pathogenic or benign to our knowledge